The following is an entry in ClinVar:

ClinVar aggregate classification (germline): Uncertain significance (1 of 4 stars; one submission).

Conditions:
Inborn genetic diseases. Identifiers: MedGen C0950123, MeSH D030342.

Submission:

Ambry Genetics
Classification: Uncertain significance for Inborn genetic diseases. Last evaluated: 2025-05-27. Review status: criteria provided, single submitter. Criteria: Ambry Variant Classification Scheme 2023. Collection method: clinical testing. Allele origin: germline.
Comment: The p.G345E variant (also known as c.1034G>A), located in coding exon 5 of the SH2B3 gene, results from a G to A substitution at nucleotide position 1034. The glycine at codon 345 is replaced by glutamic acid, an amino acid with similar properties. This amino acid position is conserved. In addition, this alteration is predicted to be tolerated by in silico analysis. Based on the available evidence, the clinical significance of this variant remains unclear.

NM_005475.3(SH2B3):c.1034G>A (p.Gly345Glu)

Gene: SH2B3 (SH2B adaptor protein 3; plus strand). Cytogenetic location: 12q24.12.
Variant type: single nucleotide variant.
Coding change: c.1034G>A on transcript NM_005475.3 (MANE Select); coding-DNA position 1034, G replaced by A.
Protein change: p.Gly345Glu; replaces glycine 345 with glutamic acid.
Molecular consequence: missense variant.
Genome position (GRCh38, 1-based): chr12:111,447,342, G>A. VCF-style: chr12-111447342-G-A. GRCh37 (hg19) VCF-style: chr12-111885146-G-A.
Other names: c.428G>A, p.Gly143Glu (NM_001291424.1); short protein forms G143E, G345E.
Identifiers: ClinVar variation 3953533 (VCV003953533.1).